The following is an entry in ClinVar:

ClinVar aggregate classification (germline): Uncertain significance. Review status: criteria provided, multiple submitters, no conflicts (2 of 4 stars). 2 submissions from 2 submitters: Uncertain significance (2). Last evaluated 2025-01-20.

Conditions:
Inborn genetic diseases. Identifiers: MedGen C0950123, MeSH D030342.

Allele frequency attached by ClinVar (database versions not stated): ExAC 0.00003; gnomAD 0.00003; TOPMed 0.00003; gnomAD exomes 0.00003.
gnomAD v4.1: 45 of 1,591,298 alleles (0.0028%); highest among the groups gnomAD compares: Non-Finnish European, 0.0036%; no homozygotes.

Submissions (2):

Ambry Genetics
Classification: Uncertain significance for Inborn genetic diseases. Last evaluated: 2025-01-20. Review status: criteria provided, single submitter. Criteria: Ambry Variant Classification Scheme 2023. Collection method: clinical testing. Allele origin: germline.

Labcorp Genetics (formerly Invitae), Labcorp
Classification: Uncertain significance. Last evaluated: 2022-02-19. Review status: criteria provided, single submitter. Criteria: Invitae Variant Classification Sherloc (09022015). Collection method: clinical testing. Allele origin: germline.
Comment: This sequence change replaces aspartic acid, which is acidic and polar, with glutamic acid, which is acidic and polar, at codon 64 of the MICU1 protein (p.Asp64Glu). This variant is present in population databases (rs774025038, gnomAD 0.004%). This variant has not been reported in the literature in individuals affected with MICU1-related conditions. Algorithms developed to predict the effect of missense changes on protein structure and function are either unavailable or do not agree on the potential impact of this missense change (SIFT: "Tolerated"; PolyPhen-2: "Not Available"; Align-GVGD: "Class C0"). In summary, the available evidence is currently insufficient to determine the role of this variant in disease. Therefore, it has been classified as a Variant of Uncertain Significance.

NM_001195518.2(MICU1):c.192C>A (p.Asp64Glu)

Gene: MICU1 (mitochondrial calcium uptake 1; minus strand). Cytogenetic location: 10q22.1.
Variant type: single nucleotide variant.
Coding change: c.192C>A on transcript NM_001195518.2 (MANE Select); coding-DNA position 192, C replaced by A.
Protein change: p.Asp64Glu; replaces aspartic acid 64 with glutamic acid.
Molecular consequence: missense variant.
Genome position (GRCh38, 1-based): chr10:72,563,033, G>T on the plus strand (C>A on the coding strand, the complement: MICU1 is on the minus strand). VCF-style: chr10-72563033-G-T. GRCh37 (hg19) VCF-style: chr10-74322791-G-T.
Other names: c.192C>A, p.Asp64Glu (NM_001363513.2, NM_006077.4); c.192C>A (NM_006077.3); short protein forms D64E.
Identifiers: ClinVar variation 1440171 (VCV001440171.4), dbSNP rs774025038, ClinGen allele CA5550326.